The following is an entry in ClinVar:

NM_032493.4(AP1M1):c.1017C>T (p.Ser339=)

Gene: AP1M1 (adaptor related protein complex 1 subunit mu 1; plus strand). Cytogenetic location: 19p13.11.
Variant type: single nucleotide variant.
Coding change: c.1017C>T on transcript NM_032493.4 (MANE Select); coding-DNA position 1017, C replaced by T.
Protein change: p.Ser339=; no amino-acid change (serine 339 retained).
Molecular consequence: synonymous variant.
Genome position (GRCh38, 1-based): chr19:16,228,898, C>T. VCF-style: chr19-16228898-C-T. GRCh37 (hg19) VCF-style: chr19-16339709-C-T.
Other names: NC_000019.9:g.16339709C>T; c.1053C>T, p.Ser351= (NM_001130524.2).
Identifiers: ClinVar variation 2649509 (VCV002649509.25), dbSNP rs150468368, ClinGen allele CA9276916.

ClinVar aggregate classification (germline): Likely benign (1 of 4 stars; one submission).

Allele frequency attached by ClinVar (database versions not stated): 1000 Genomes Project 0.00020; 1000 Genomes Project 30x 0.00031; ESP Exome Variant Server 0.00046; gnomAD 0.00054; TOPMed 0.00060; ExAC 0.00070.
gnomAD v4.1: 1,172 of 1,614,132 alleles (0.073%); highest among the groups gnomAD compares: Non-Finnish European, 0.089%; 1 homozygote.

Submissions (8):

CeGaT Center for Human Genetics Tuebingen
Classification: Likely benign. Last evaluated: 2023-03-01. Review status: criteria provided, single submitter. Criteria: CeGaT Center For Human Genetics Tuebingen Variant Classification Criteria Version 2. Collection method: clinical testing. Allele origin: germline. Affected: yes. Observed: 1 variant allele.
Comment: AP1M1: BP4, BP7

Dr. Peter K. Rogan Lab, Western University
No classification provided (evidence only). Condition: Clear cell carcinoma of kidney. Review status: no classification provided. Collection method: in vitro. Allele origin: not applicable. Functional consequence: retained intron. Not counted in ClinVar's aggregate classification.

Dr. Peter K. Rogan Lab, Western University
No classification provided (evidence only). Condition: Uterine corpus endometrial carcinoma. Review status: no classification provided. Collection method: in vitro. Allele origin: not applicable. Functional consequence: retained intron. Not counted in ClinVar's aggregate classification.

Dr. Peter K. Rogan Lab, Western University
No classification provided (evidence only). Condition: Cervical cancer. Review status: no classification provided. Collection method: in vitro. Allele origin: not applicable. Functional consequence: retained intron. Not counted in ClinVar's aggregate classification.

Dr. Peter K. Rogan Lab, Western University
No classification provided (evidence only). Condition: Hepatocellular carcinoma. Review status: no classification provided. Collection method: in vitro. Allele origin: not applicable. Functional consequence: retained intron. Not counted in ClinVar's aggregate classification.

Dr. Peter K. Rogan Lab, Western University
No classification provided (evidence only). Condition: Hepatocellular carcinoma. Review status: no classification provided. Collection method: in vitro. Allele origin: not applicable. Functional consequence: skipped exon, retained intron. Not counted in ClinVar's aggregate classification.

Dr. Peter K. Rogan Lab, Western University
No classification provided (evidence only). Condition: Ovarian serous cystadenocarcinoma. Review status: no classification provided. Collection method: in vitro. Allele origin: not applicable. Functional consequence: skipped exon, retained intron. Not counted in ClinVar's aggregate classification.

Dr. Peter K. Rogan Lab, Western University
No classification provided (evidence only). Condition: Gastric cancer. Review status: no classification provided. Collection method: in vitro. Allele origin: not applicable. Functional consequence: retained intron. Not counted in ClinVar's aggregate classification.